The following is an entry in ClinVar:

ClinVar aggregate classification (germline): Likely benign. Review status: criteria provided, single submitter (1 of 4 stars). 2 submissions from 2 submitters: Likely benign (1). 1 of the submissions does not count toward it. Last evaluated 2020-08-21.

Conditions:
IRF6-related condition. Also called: IRF6-Related Disorders; IRF6-related disorder. Identifiers: MedGen CN378148, MONDO:1040010.

Allele frequency attached by ClinVar (database versions not stated): gnomAD exomes 0.00003; ExAC 0.00011; TOPMed 0.00033; gnomAD 0.00034; ESP Exome Variant Server 0.00046.

Submissions (2):

Blueprint Genetics
Classification: Likely benign. Last evaluated: 2020-08-21. Review status: criteria provided, single submitter. Criteria: ACMG Guidelines, 2015. Collection method: clinical testing. Allele origin: germline.

PreventionGenetics, part of Exact Sciences
Classification: Likely benign for IRF6-related condition. Last evaluated: 2020-01-03. Review status: no assertion criteria provided. Collection method: clinical testing. Allele origin: germline. Not counted in ClinVar's aggregate classification.
Comment: This variant is classified as likely benign based on ACMG/AMP sequence variant interpretation guidelines (Richards et al. 2015 PMID: 25741868, with internal and published modifications).

NM_006147.4(IRF6):c.1173G>A (p.Leu391=)

Gene: IRF6 (interferon regulatory factor 6; minus strand). Cytogenetic location: 1q32.2.
Variant type: single nucleotide variant.
Coding change: c.1173G>A on transcript NM_006147.4 (MANE Select); coding-DNA position 1173, G replaced by A.
Protein change: p.Leu391=; no amino-acid change (leucine 391 retained).
Molecular consequence: synonymous variant.
Genome position (GRCh38, 1-based): chr1:209,789,673, C>T on the plus strand (G>A on the coding strand, the complement: IRF6 is on the minus strand). VCF-style: chr1-209789673-C-T. GRCh37 (hg19) VCF-style: chr1-209963018-C-T.
Other names: c.888G>A, p.Leu296= (NM_001206696.2).
Identifiers: ClinVar variation 3052501 (VCV003052501.3), dbSNP rs141653312, ClinGen allele CA1377190.
Genomic context (GRCh38, chr1:209,789,673, plus strand): 5'-GCTTAAGCATTGGCAAAAAGATGAAGAGTTGTTGACACAGCCTTATCTTCTCACCTGAAC[C>T]AAGATGAGTTTCCTTTCCAATGGTTTCCCATCTGGCCATTCTTCCCCAAAGCATAAGTAG-3'
Protein context (NP_006138.1, residues 381-401): DGKPLERKLI[Leu391=]VQVIPVVARM